The following is an entry in ClinVar:

NM_181882.3(PRX):c.1100C>A (p.Ala367Asp)

Gene: PRX (periaxin; minus strand). Cytogenetic location: 19q13.2.
Variant type: single nucleotide variant.
Coding change: c.1100C>A on transcript NM_181882.3 (MANE Select); coding-DNA position 1100, C replaced by A.
Protein change: p.Ala367Asp; replaces alanine 367 with aspartic acid.
Molecular consequence: missense variant. On other transcripts: 3 prime UTR variant (1).
Genome position (GRCh38, 1-based): chr19:40,397,252, G>T on the plus strand (C>A on the coding strand, the complement: PRX is on the minus strand). VCF-style: chr19-40397252-G-T. GRCh37 (hg19) VCF-style: chr19-40903159-G-T.
Other names: c.*1305C>A (NM_020956.2); short protein forms A367D.
Identifiers: ClinVar variation 543361 (VCV000543361.10), dbSNP rs143400291, ClinGen allele CA9444326.

ClinVar aggregate classification (germline): Uncertain significance. Review status: criteria provided, multiple submitters, no conflicts (2 of 4 stars). 3 submissions from 3 submitters: Uncertain significance (3). Last evaluated 2024-10-08.

Conditions:
Inborn genetic diseases. Identifiers: MedGen C0950123, MeSH D030342.
Charcot-Marie-Tooth disease type 4. Also called: Charcot-Marie-Tooth disease, type IV; Charcot-Marie-Tooth, Type 4. Identifiers: Orphanet 64749, MedGen C4082197, MONDO:0018995.

Allele frequency attached by ClinVar (database versions not stated): TOPMed 0.00004; gnomAD 0.00006; ESP Exome Variant Server 0.00015.
gnomAD v4.1: 29 of 1,613,708 alleles (0.0018%); highest among the groups gnomAD compares: Admixed American, 0.0033%; no homozygotes.

Submissions (3):

Ambry Genetics
Classification: Uncertain significance for Inborn genetic diseases. Last evaluated: 2024-10-08. Review status: criteria provided, single submitter. Criteria: Ambry Variant Classification Scheme 2023. Collection method: clinical testing. Allele origin: germline.

Labcorp Genetics (formerly Invitae), Labcorp
Classification: Uncertain significance for Charcot-Marie-Tooth disease type 4. Last evaluated: 2022-06-03. Review status: criteria provided, single submitter. Criteria: Invitae Variant Classification Sherloc (09022015). Collection method: clinical testing. Allele origin: germline.
Comment: This sequence change replaces alanine, which is neutral and non-polar, with aspartic acid, which is acidic and polar, at codon 367 of the PRX protein (p.Ala367Asp). This variant is present in population databases (rs143400291, gnomAD 0.004%). This variant has not been reported in the literature in individuals affected with PRX-related conditions. ClinVar contains an entry for this variant (Variation ID: 543361). Algorithms developed to predict the effect of missense changes on protein structure and function are either unavailable or do not agree on the potential impact of this missense change (SIFT: "Deleterious"; PolyPhen-2: "Possibly Damaging"; Align-GVGD: "Class C15"). In summary, the available evidence is currently insufficient to determine the role of this variant in disease. Therefore, it has been classified as a Variant of Uncertain Significance.

Athena Diagnostics
Classification: Uncertain significance. Last evaluated: 2021-01-08. Review status: criteria provided, single submitter. Criteria: Athena Diagnostics criteria. Collection method: clinical testing. Allele origin: unknown.